The following is an entry in ClinVar:

ClinVar aggregate classification (germline): Uncertain significance (1 of 4 stars; one submission).

Submission:

Labcorp Genetics (formerly Invitae), Labcorp
Classification: Uncertain significance. Last evaluated: 2022-05-06. Review status: criteria provided, single submitter. Criteria: Invitae Variant Classification Sherloc (09022015). Collection method: clinical testing. Allele origin: germline.
Comment: In summary, the available evidence is currently insufficient to determine the role of this variant in disease. Therefore, it has been classified as a Variant of Uncertain Significance. Advanced modeling of protein sequence and biophysical properties (such as structural, functional, and spatial information, amino acid conservation, physicochemical variation, residue mobility, and thermodynamic stability) performed at Invitae indicates that this missense variant is not expected to disrupt NR2F1 protein function. This variant has not been reported in the literature in individuals affected with NR2F1-related conditions. The frequency data for this variant in the population databases is considered unreliable, as metrics indicate insufficient coverage at this position in the gnomAD database. This sequence change replaces asparagine, which is neutral and polar, with serine, which is neutral and polar, at codon 24 of the NR2F1 protein (p.Asn24Ser).

NM_005654.6(NR2F1):c.71A>G (p.Asn24Ser)

Genes: NR2F1 (nuclear receptor subfamily 2 group F member 1; plus strand), NR2F1-AS1 (NR2F1 regulatory antisense RNA 1; minus strand). Cytogenetic location: 5q15.
Variant type: single nucleotide variant.
Coding change: c.71A>G on transcript NM_005654.6 (MANE Select); coding-DNA position 71, A replaced by G.
Protein change: p.Asn24Ser; replaces asparagine 24 with serine.
Molecular consequence: missense variant.
Genome position (GRCh38, 1-based): chr5:93,585,094, A>G. VCF-style: chr5-93585094-A-G. GRCh37 (hg19) VCF-style: chr5-92920800-A-G.
Other names: short protein forms N24S.
Identifiers: ClinVar variation 2134627 (VCV002134627.4), dbSNP rs2480800961, ClinGen allele CA360525463.